The following is an entry in ClinVar:

NM_024721.5(ZFHX4):c.5053C>T (p.His1685Tyr)

Gene: ZFHX4 (zinc finger homeobox 4; plus strand). Cytogenetic location: 8q21.13.
Variant type: single nucleotide variant.
Coding change: c.5053C>T on transcript NM_024721.5 (MANE Select); coding-DNA position 5053, C replaced by T.
Protein change: p.His1685Tyr; replaces histidine 1685 with tyrosine.
Molecular consequence: missense variant.
Genome position (GRCh38, 1-based): chr8:76,851,974, C>T. VCF-style: chr8-76851974-C-T. GRCh37 (hg19) VCF-style: chr8-77764210-C-T.
Other names: c.4975C>T, p.His1659Tyr (NM_001410934.1); short protein forms H1659Y, H1685Y.
Identifiers: ClinVar variation 5017042 (VCV005017042.1).
Genomic context (GRCh38, chr8:76,851,974, plus strand): 5'-TTAGATGCCAAAGAATTAAATAAAAAGCAAACTCCTGATTTAATCTCTGCTCAACCTGCA[C>T]ATCACCCACCACAGTCACCAGCACAAATTCAGATGCAACTACAGCACGAATTACAACAGC-3'
Protein context (NP_078997.4, residues 1675-1695): TPDLISAQPA[His1685Tyr]HPPQSPAQIQ

ClinVar aggregate classification (germline): Uncertain significance (1 of 4 stars; one submission).

gnomAD v4.1: 2 of 1,613,866 alleles (0.00012%); highest among the groups gnomAD compares: East Asian, 0.0022%; no homozygotes.

Submission:

GeneDx
Classification: Uncertain significance. Last evaluated: 2026-03-23. Review status: criteria provided, single submitter. Criteria: GeneDx Variant Classification Process June 2021. Collection method: clinical testing. Allele origin: germline.
Comment: Not observed at significant frequency in large population cohorts (gnomAD); In silico analysis supports that this missense variant has a deleterious effect on protein structure/function; Has not been previously published as pathogenic or benign to our knowledge